The following is an entry in ClinVar:

ClinVar aggregate classification (germline): Benign/Likely benign. Review status: criteria provided, multiple submitters, no conflicts (2 of 4 stars). 4 submissions from 4 submitters: Benign (1); Likely benign (3). Last evaluated 2025-04-20.

Conditions:
Hereditary cancer-predisposing syndrome. Also called: Hereditary neoplastic syndrome; Tumor predisposition; Neoplastic Syndromes, Hereditary; Hereditary Cancer Syndrome. Identifiers: Orphanet 140162, MedGen C0027672, MeSH D009386, MONDO:0015356.
Familial thoracic aortic aneurysm and aortic dissection (TAAD). Also called: Thoracic aortic aneurysms and dissections. Identifiers: Orphanet 91387, MedGen C4707243, MONDO:0019625.
Juvenile polyposis syndrome (JPS). Identifiers: Orphanet 2929, MedGen C0345893, MONDO:0017380, OMIM 174900.
Juvenile polyposis/hereditary hemorrhagic telangiectasia syndrome (JPHT). Also called: Juvenile Polyposis Syndrome / Hereditary Hemorrhagic Telangiectasia (JPS/HHT); JP/HHT SYNDROME; JUVENILE POLYPOSIS WITH HEREDITARY HEMORRHAGIC TELANGIECTASIA; POLYPOSIS, GENERALIZED JUVENILE, WITH PULMONARY ARTERIOVENOUS MALFORMATION; TELANGIECTASIA, HEREDITARY HEMORRHAGIC, WITH JUVENILE POLYPOSIS COLI. Identifiers: Orphanet 2929, MedGen C1832942, MONDO:0008278, OMIM 175050.

Allele frequency attached by ClinVar (database versions not stated): gnomAD exomes below 0.00001 and 0.00001; gnomAD 0.00001; TOPMed 0.00001.
gnomAD v4.1: 5 of 1,613,652 alleles (0.00031%); highest among the groups gnomAD compares: African/African-American, 0.0027%; no homozygotes.

Submissions (4):

Labcorp Genetics (formerly Invitae), Labcorp
Classification: Likely benign for Juvenile polyposis syndrome. Last evaluated: 2025-04-20. Review status: criteria provided, single submitter. Criteria: Invitae Variant Classification Sherloc (09022015). Collection method: clinical testing. Allele origin: germline.

Myriad Genetics, Inc.
Classification: Benign for Juvenile polyposis/hereditary hemorrhagic telangiectasia syndrome. Last evaluated: 2025-03-20. Review status: criteria provided, single submitter. Criteria: Myriad Autosomal Dominant, Autosomal Recessive and X-Linked Classification Criteria (2023). Collection method: clinical testing. Allele origin: unknown.
Comment: This variant is considered benign. This variant is a silent/synonymous amino acid change and it is not expected to impact splicing.

Ambry Genetics
Classification: Likely benign for Hereditary cancer-predisposing syndrome; Familial thoracic aortic aneurysm and aortic dissection. Last evaluated: 2019-06-04. Review status: criteria provided, single submitter. Criteria: Ambry Variant Classification Scheme 2023. Collection method: clinical testing. Allele origin: germline.

Color Diagnostics, LLC DBA Color Health
Classification: Likely benign for Hereditary cancer-predisposing syndrome. Last evaluated: 2017-03-16. Review status: criteria provided, single submitter. Criteria: ACMG Guidelines, 2015. Collection method: clinical testing. Allele origin: germline.

NM_005359.6(SMAD4):c.975C>T (p.Ser325=)

Gene: SMAD4 (SMAD family member 4; plus strand). Cytogenetic location: 18q21.2.
Variant type: single nucleotide variant.
Coding change: c.975C>T on transcript NM_005359.6 (MANE Select); coding-DNA position 975, C replaced by T.
Protein change: p.Ser325=; no amino-acid change (serine 325 retained).
Molecular consequence: synonymous variant.
Genome position (GRCh38, 1-based): chr18:51,065,442, C>T. VCF-style: chr18-51065442-C-T. GRCh37 (hg19) VCF-style: chr18-48591812-C-T.
Identifiers: ClinVar variation 492506 (VCV000492506.19), dbSNP rs1228827259, ClinGen allele CA503874089.